The following is an entry in ClinVar:

ClinVar aggregate classification (germline): Uncertain significance. Review status: criteria provided, multiple submitters, no conflicts (2 of 4 stars). 2 submissions from 2 submitters: Uncertain significance (2). Last evaluated 2026-04-08.

Conditions:
Fraser syndrome 1 (FRASRS1). Also called: CRYPTOPHTHALMOS WITH OTHER MALFORMATIONS. Identifiers: Orphanet 2052, MedGen C4551480, MONDO:0054737, OMIM 219000.

gnomAD v4.1: 9 of 1,613,852 alleles (0.00056%); highest among the groups gnomAD compares: African/African-American, 0.0053%; no homozygotes.

Submissions (2):

GeneDx
Classification: Uncertain significance. Last evaluated: 2026-04-08. Review status: criteria provided, single submitter. Criteria: GeneDx Variant Classification Process June 2021. Collection method: clinical testing. Allele origin: germline.
Comment: In silico analysis supports that this missense variant has a deleterious effect on protein structure/function; Has not been previously published as pathogenic or benign to our knowledge

Fulgent Genetics
Classification: Uncertain significance for Fraser syndrome 1. Last evaluated: 2024-01-29. Review status: criteria provided, single submitter. Criteria: ACMG Guidelines, 2015. Collection method: clinical testing. Allele origin: germline.

NM_025074.7(FRAS1):c.8666T>C (p.Phe2889Ser)

Gene: FRAS1 (Fraser extracellular matrix complex subunit 1; plus strand). Cytogenetic location: 4q21.21.
Variant type: single nucleotide variant.
Coding change: c.8666T>C on transcript NM_025074.7 (MANE Select); coding-DNA position 8666, T replaced by C.
Protein change: p.Phe2889Ser; replaces phenylalanine 2889 with serine.
Molecular consequence: missense variant.
Genome position (GRCh38, 1-based): chr4:78,482,449, T>C. VCF-style: chr4-78482449-T-C. GRCh37 (hg19) VCF-style: chr4-79403603-T-C.
Other names: c.8666T>C (NM_025074.6); short protein forms F2889S.
Identifiers: ClinVar variation 3591137 (VCV003591137.2).